The following is an entry in ClinVar:

ClinVar aggregate classification (germline): Uncertain significance (1 of 4 stars; one submission).

Allele frequency attached by ClinVar (database versions not stated): gnomAD exomes 0.00001.
gnomAD v4.1: 6 of 1,613,990 alleles (0.00037%); highest among the groups gnomAD compares: Non-Finnish European, 0.00051%; no homozygotes.

Submission:

Labcorp Genetics (formerly Invitae), Labcorp
Classification: Uncertain significance. Last evaluated: 2023-08-28. Review status: criteria provided, single submitter. Criteria: Invitae Variant Classification Sherloc (09022015). Collection method: clinical testing. Allele origin: germline.
Comment: In summary, the available evidence is currently insufficient to determine the role of this variant in disease. Therefore, it has been classified as a Variant of Uncertain Significance. Algorithms developed to predict the effect of missense changes on protein structure and function output the following: SIFT: "Not Available"; PolyPhen-2: "Benign"; Align-GVGD: "Not Available". The valine amino acid residue is found in multiple mammalian species, which suggests that this missense change does not adversely affect protein function. This variant has not been reported in the literature in individuals affected with VCAN-related conditions. This variant is present in population databases (no rsID available, gnomAD 0.0009%). This sequence change replaces isoleucine, which is neutral and non-polar, with valine, which is neutral and non-polar, at codon 2054 of the VCAN protein (p.Ile2054Val).

NM_004385.5(VCAN):c.6160A>G (p.Ile2054Val)

Genes: VCAN (versican; plus strand), VCAN-AS1 (VCAN antisense RNA 1; minus strand). Cytogenetic location: 5q14.3.
Variant type: single nucleotide variant.
Coding change: c.6160A>G on transcript NM_004385.5 (MANE Select); coding-DNA position 6160, A replaced by G.
Protein change: p.Ile2054Val; replaces isoleucine 2054 with valine.
Molecular consequence: missense variant. On other transcripts: intron variant (2).
Genome position (GRCh38, 1-based): chr5:83,539,163, A>G. VCF-style: chr5-83539163-A-G. GRCh37 (hg19) VCF-style: chr5-82834982-A-G.
Other names: c.3199A>G, p.Ile1067Val (NM_001164097.2); c.4004-6374A>G (NM_001164098.2); c.1043-6374A>G (NM_001126336.3); short protein forms I1067V, I2054V.
Identifiers: ClinVar variation 2855153 (VCV002855153.3), dbSNP rs1248686798, ClinGen allele CA360311946.